The following is an entry in ClinVar:

ClinVar aggregate classification (germline): Uncertain significance (1 of 4 stars; one submission).

gnomAD v4.1: 1 of 1,614,252 alleles (0.000062%); highest among the groups gnomAD compares: East Asian, 0.0022%; no homozygotes.

Submission:

CeGaT Center for Human Genetics Tuebingen
Classification: Uncertain significance. Last evaluated: 2025-10-01. Review status: criteria provided, single submitter. Criteria: CeGaT Center For Human Genetics Tuebingen Variant Classification Criteria Version 2. Collection method: clinical testing. Allele origin: germline. Affected: yes. Observed: 1 variant allele.
Comment: SPECC1L: PM2

NM_015330.6(SPECC1L):c.748A>G (p.Asn250Asp)

Genes: SPECC1L-ADORA2A (SPECC1L-ADORA2A readthrough (NMD candidate); plus strand), SPECC1L (sperm antigen with calponin homology and coiled-coil domains 1 like; plus strand). Cytogenetic location: 22q11.23.
Variant type: single nucleotide variant.
Coding change: c.748A>G on transcript NM_015330.6 (MANE Select); coding-DNA position 748, A replaced by G.
Protein change: p.Asn250Asp; replaces asparagine 250 with aspartic acid.
Molecular consequence: missense variant. On other transcripts: non-coding transcript variant (1).
Genome position (GRCh38, 1-based): chr22:24,321,728, A>G. VCF-style: chr22-24321728-A-G. GRCh37 (hg19) VCF-style: chr22-24717696-A-G.
Other names: c.748A>G, p.Asn250Asp (NM_001145468.4, NM_001254732.3); short protein forms N250D.
Identifiers: ClinVar variation 4534931 (VCV004534931.6).